The following is an entry in ClinVar:

ClinVar aggregate classification (germline): Uncertain significance (1 of 4 stars; one submission).

Submission:

GeneDx
Classification: Uncertain significance. Last evaluated: 2024-08-12. Review status: criteria provided, single submitter. Criteria: GeneDx Variant Classification Process June 2021. Collection method: clinical testing. Allele origin: germline. Affected: yes.
Comment: Not observed at significant frequency in large population cohorts (gnomAD); In silico analysis supports that this missense variant has a deleterious effect on protein structure/function; Has not been previously published as pathogenic or benign to our knowledge

NM_014516.4(CNOT3):c.2129A>G (p.Glu710Gly)

Gene: CNOT3 (CCR4-NOT transcription complex subunit 3; plus strand). Cytogenetic location: 19q13.42.
Variant type: single nucleotide variant.
Coding change: c.2129A>G on transcript NM_014516.4 (MANE Select); coding-DNA position 2129, A replaced by G.
Protein change: p.Glu710Gly; replaces glutamic acid 710 with glycine.
Molecular consequence: missense variant.
Genome position (GRCh38, 1-based): chr19:54,153,806, A>G. VCF-style: chr19-54153806-A-G. GRCh37 (hg19) VCF-style: chr19-54657543-A-G.
Other names: short protein forms E710G.
Identifiers: ClinVar variation 3731095 (VCV003731095.1).